The following is an entry in ClinVar:

ClinVar aggregate classification (germline): Uncertain significance (1 of 4 stars; one submission).

Allele frequency attached by ClinVar (database versions not stated): gnomAD exomes below 0.00001; TOPMed 0.00001.
gnomAD v4.1: 4 of 1,613,012 alleles (0.00025%); highest among the groups gnomAD compares: South Asian, 0.0011%; no homozygotes.

Submission:

Labcorp Genetics (formerly Invitae), Labcorp
Classification: Uncertain significance. Last evaluated: 2023-05-31. Review status: criteria provided, single submitter. Criteria: Invitae Variant Classification Sherloc (09022015). Collection method: clinical testing. Allele origin: germline.
Comment: This sequence change replaces isoleucine, which is neutral and non-polar, with valine, which is neutral and non-polar, at codon 467 of the DSG1 protein (p.Ile467Val). This variant is not present in population databases (gnomAD no frequency). This variant has not been reported in the literature in individuals affected with DSG1-related conditions. Advanced modeling of protein sequence and biophysical properties (such as structural, functional, and spatial information, amino acid conservation, physicochemical variation, residue mobility, and thermodynamic stability) performed at Invitae indicates that this missense variant is not expected to disrupt DSG1 protein function. In summary, the available evidence is currently insufficient to determine the role of this variant in disease. Therefore, it has been classified as a Variant of Uncertain Significance.

NM_001942.4(DSG1):c.1399A>G (p.Ile467Val)

Gene: DSG1 (desmoglein 1; plus strand). Cytogenetic location: 18q12.1.
Variant type: single nucleotide variant.
Coding change: c.1399A>G on transcript NM_001942.4 (MANE Select); coding-DNA position 1399, A replaced by G.
Protein change: p.Ile467Val; replaces isoleucine 467 with valine.
Molecular consequence: missense variant.
Genome position (GRCh38, 1-based): chr18:31,338,448, A>G. VCF-style: chr18-31338448-A-G. GRCh37 (hg19) VCF-style: chr18-28918411-A-G.
Other names: short protein forms I467V.
Identifiers: ClinVar variation 2819565 (VCV002819565.3), dbSNP rs2071768788, ClinGen allele CA402136566.